The following is an entry in ClinVar:

NM_145167.3(PIGM):c.23G>A (p.Gly8Asp)

Gene: PIGM (phosphatidylinositol glycan anchor biosynthesis class M; minus strand). Cytogenetic location: 1q23.2.
Variant type: single nucleotide variant.
Coding change: c.23G>A on transcript NM_145167.3 (MANE Select); coding-DNA position 23, G replaced by A.
Protein change: p.Gly8Asp; replaces glycine 8 with aspartic acid.
Molecular consequence: missense variant.
Genome position (GRCh38, 1-based): chr1:160,031,717, C>T on the plus strand (G>A on the coding strand, the complement: PIGM is on the minus strand). VCF-style: chr1-160031717-C-T. GRCh37 (hg19) VCF-style: chr1-160001507-C-T.
Other names: short protein forms G8D.
Identifiers: ClinVar variation 3671847 (VCV003671847.2).

ClinVar aggregate classification (germline): Uncertain significance (1 of 4 stars; one submission).

Conditions:
Hypercoagulability syndrome due to glycosylphosphatidylinositol deficiency (GPIBD1). Also called: GLYCOSYLPHOSPHATIDYLINOSITOL BIOSYNTHESIS DEFECT 1. Identifiers: Orphanet 83639, MedGen C5201145, MONDO:0012465, OMIM 610293.

Submission:

Labcorp Genetics (formerly Invitae), Labcorp
Classification: Uncertain significance for Hypercoagulability syndrome due to glycosylphosphatidylinositol deficiency. Last evaluated: 2024-10-29. Review status: criteria provided, single submitter. Criteria: Invitae Variant Classification Sherloc (09022015). Collection method: clinical testing. Allele origin: germline.
Comment: This sequence change replaces glycine, which is neutral and non-polar, with aspartic acid, which is acidic and polar, at codon 8 of the PIGM protein (p.Gly8Asp). This variant is not present in population databases (gnomAD no frequency). This variant has not been reported in the literature in individuals affected with PIGM-related conditions. An algorithm developed to predict the effect of missense changes on protein structure and function (PolyPhen-2) suggests that this variant is likely to be tolerated. In summary, the available evidence is currently insufficient to determine the role of this variant in disease. Therefore, it has been classified as a Variant of Uncertain Significance.